The following is an entry in ClinVar:

NM_018139.3(DNAAF2):c.1203dup (p.Thr402fs)

Genes: DNAAF2 (dynein axonemal assembly factor 2; minus strand), LOC130055542 (ATAC-STARR-seq lymphoblastoid silent region 5699; plus strand). Cytogenetic location: 14q21.3.
Variant type: Duplication.
Coding change: c.1203dup on transcript NM_018139.3 (MANE Select); coding-DNA position 1203, one base duplicated (T; older notation c.1203dupT).
Protein change: p.Thr402fs; shifts the reading frame from threonine 402.
Molecular consequence: frameshift variant. On other transcripts: 5 prime UTR variant (1).
Genome position (GRCh38, 1-based): chr14:49,633,947, A duplicated on the plus strand (T on the coding strand, the reverse complement: DNAAF2 is on the minus strand). VCF-style (leftmost placement, unchanged base first): chr14-49633946-T-TA. GRCh37 (hg19) VCF-style: chr14-50100664-T-TA.
Other names: c.1203dupT (NM_018139.2); c.1203dup, p.Thr402fs (NM_001083908.2); c.-669dup (NM_001378453.1); short protein forms T402fs.
Identifiers: ClinVar variation 650880 (VCV000650880.1), dbSNP rs1594608287, ClinGen allele CA915948933.

ClinVar aggregate classification (germline): Pathogenic (1 of 4 stars; one submission).

Conditions:
Primary ciliary dyskinesia. Also called: Ciliary dyskinesia. Identifiers: Orphanet 244, MedGen C0008780, MONDO:0016575, HP:0012265.

Allele frequency attached by ClinVar (database versions not stated): TOPMed 0.00001.

Submission:

Labcorp Genetics (formerly Invitae), Labcorp
Classification: Pathogenic for Primary ciliary dyskinesia. Last evaluated: 2018-10-30. Review status: criteria provided, single submitter. Criteria: Invitae Variant Classification Sherloc (09022015). Collection method: clinical testing. Allele origin: germline.
Comment: This sequence change creates a premature translational stop signal (p.Thr402Tyrfs*89) in the DNAAF2 gene. It is expected to result in an absent or disrupted protein product. The frequency data for this variant in the population databases is considered unreliable, as metrics indicate insufficient coverage at this position in the ExAC database. This variant has not been reported in the literature in individuals with DNAAF2-related disease. Loss-of-function variants in DNAAF2 are known to be pathogenic (PMID: 19052621). For these reasons, this variant has been classified as Pathogenic.